The following is an entry in ClinVar:

NM_000138.5(FBN1):c.1469-244T>G

Gene: FBN1 (fibrillin 1; minus strand). Cytogenetic location: 15q21.1.
Variant type: single nucleotide variant.
Coding change: c.1469-244T>G on transcript NM_000138.5 (MANE Select); 244 bases into the intron before coding-DNA position 1469, T replaced by G.
Molecular consequence: intron variant.
Genome position (GRCh38, 1-based): chr15:48,513,912, A>C on the plus strand (T>G on the coding strand, the complement: FBN1 is on the minus strand). VCF-style: chr15-48513912-A-C. GRCh37 (hg19) VCF-style: chr15-48806109-A-C.
Other names: c.1469-244T>G (NM_001406716.1).
Identifiers: ClinVar variation 3769618 (VCV003769618.1).
Genomic context (GRCh38, chr15:48,513,912, plus strand): 5'-AAAGTGTATTATTTTCATGTGTCATTTTGCAGAGAAAAATTCCAAACATGTAGCAACTCA[A>C]CAATCTGATCTAATAAACATTTTTTCTTCCTTGAGTCTGATCTAAGAGGACCAAACAGAC-3'

ClinVar aggregate classification (germline): Pathogenic (1 of 4 stars; one submission).

Conditions:
Marfan syndrome (MFS). Also called: MARFAN SYNDROME, TYPE I; Marfan syndrome type 1; Marfan's syndrome; Marfan syndrome, classic; FBN1-Related Marfan Syndrome. Identifiers: Orphanet 284963, Orphanet 558, MedGen C0024796, MONDO:0007947, OMIM 154700.

Submission:

Clinical and Biomedical Sciences, University of Exeter
Classification: Pathogenic for Marfan syndrome. Last evaluated: 2025-02-28. Review status: criteria provided, single submitter. Criteria: ACMG Guidelines, 2015. Collection method: research. Allele origin: germline. Affected: yes. Study: 100,000 Genomes Project.
Comment: RT-PCR and Sanger sequencing confirms 171bp pseudoexon, r.1468_1469ins171 and predicts p.(D490ValfsTer35).